The following is an entry in ClinVar:

ClinVar aggregate classification (germline): Likely benign. Review status: criteria provided, single submitter (1 of 4 stars). 2 submissions from 2 submitters: Likely benign (1). 1 of the submissions does not count toward it. Last evaluated 2022-10-10.

Conditions:
TRRAP-related disorder. Also called: TRRAP-related condition.

Allele frequency attached by ClinVar (database versions not stated): ESP Exome Variant Server 0.00008.
gnomAD v4.1: 16 of 1,613,666 alleles (0.00099%); highest among the groups gnomAD compares: African/African-American, 0.021%; no homozygotes.

Submissions (2):

Labcorp Genetics (formerly Invitae), Labcorp
Classification: Likely benign. Last evaluated: 2022-10-10. Review status: criteria provided, single submitter. Criteria: Invitae Variant Classification Sherloc (09022015). Collection method: clinical testing. Allele origin: germline.

PreventionGenetics, part of Exact Sciences
Classification: Likely benign for TRRAP-related condition. Last evaluated: 2019-07-16. Review status: no assertion criteria provided. Collection method: clinical testing. Allele origin: germline. Not counted in ClinVar's aggregate classification.
Comment: This variant is classified as likely benign based on ACMG/AMP sequence variant interpretation guidelines (Richards et al. 2015 PMID: 25741868, with internal and published modifications).

NM_001375524.1(TRRAP):c.540C>A (p.Pro180=)

Gene: TRRAP (transformation/transcription domain associated protein; plus strand). Cytogenetic location: 7q22.1.
Variant type: single nucleotide variant.
Coding change: c.540C>A on transcript NM_001375524.1 (MANE Select); coding-DNA position 540, C replaced by A.
Protein change: p.Pro180=; no amino-acid change (proline 180 retained).
Molecular consequence: synonymous variant.
Genome position (GRCh38, 1-based): chr7:98,897,773, C>A. VCF-style: chr7-98897773-C-A. GRCh37 (hg19) VCF-style: chr7-98495396-C-A.
Other names: c.540C>A, p.Pro180= (NM_001244580.2, NM_003496.4); c.540C>A (NM_003496.3).
Identifiers: ClinVar variation 2194289 (VCV002194289.6), dbSNP rs150341749, ClinGen allele CA4359279.
Genomic context (GRCh38, chr7:98,897,773, plus strand): 5'-AAAAAATATTTTTATGACTTTTATGTAGAACCGCTACTTTGAGAACCCTCAAGTGATCCC[C>A]GAGAACACAGTGCCTCCCCCAGAAATGGTTGGTATGATAACAACGATTGCTGTGAAAGTC-3'
Protein context (NP_001362453.1, residues 170-190): NRYFENPQVI[Pro180=]ENTVPPPEMV